The following is an entry in ClinVar:

ClinVar aggregate classification (germline): Uncertain significance (1 of 4 stars; one submission).

Conditions:
Familial cancer of breast. Also called: hereditary breast carcinoma; BREAST CANCER, FAMILIAL; Hereditary breast cancer. Identifiers: Orphanet 227535, MedGen C0346153, MONDO:0016419, OMIM 114480. Disease mechanism: loss of function.

Submission:

Labcorp Genetics (formerly Invitae), Labcorp
Classification: Uncertain significance for Familial cancer of breast. Last evaluated: 2026-01-01. Review status: criteria provided, single submitter. Criteria: Invitae Variant Classification Sherloc (09022015). Collection method: clinical testing. Allele origin: germline.
Comment: This variant, c.1560_1561delinsTT, is a complex sequence change that results in the deletion of 2 and insertion of 2 amino acid(s) in the CHEK2 protein (p.Lys520_Arg521delinsAsnTrp). Information on the frequency of this variant in the gnomAD database is not available, as this variant may be reported differently in the database. This variant has not been reported in the literature in individuals affected with CHEK2-related conditions. Experimental studies and prediction algorithms are not available or were not evaluated, and the functional significance of this variant is currently unknown. In summary, the available evidence is currently insufficient to determine the role of this variant in disease. Therefore, it has been classified as a Variant of Uncertain Significance.

NM_007194.4(CHEK2):c.1560_1561delinsTT (p.Lys520_Arg521delinsAsnTrp)

Gene: CHEK2 (checkpoint kinase 2; minus strand). Cytogenetic location: 22q12.1.
Variant type: Indel.
Coding change: c.1560_1561delinsTT on transcript NM_007194.4 (MANE Select); coding-DNA positions 1560 to 1561, GC replaced by TT.
Protein change: p.Lys520_Arg521delinsAsnTrp.
Molecular consequence: missense variant.
Genome position (GRCh38, 1-based): chr22:28,687,968-28,687,969, GC replaced by AA on the plus strand (GC replaced by TT on the coding strand, the reverse complement: CHEK2 is on the minus strand). VCF-style: chr22-28687968-GC-AA. GRCh37 (hg19) VCF-style: chr22-29083956-GC-AA.
Other names: c.1689_1690delinsTT, p.Lys563_Arg564delinsAsnTrp (NM_001005735.3); c.897_898delinsTT, p.Lys299_Arg300delinsAsnTrp (NM_001257387.3, NM_001437942.1); c.1359_1360delinsTT, p.Lys453_Arg454delinsAsnTrp (NM_001349956.3); c.1653_1654delinsTT, p.Lys551_Arg552delinsAsnTrp (NM_001438293.1); c.1602_1603delinsTT, p.Lys534_Arg535delinsAsnTrp (NM_001438294.1); c.1566_1567delinsTT, p.Lys522_Arg523delinsAsnTrp (NM_001438295.1); c.1473_1474delinsTT, p.Lys491_Arg492delinsAsnTrp (NM_145862.3).
Identifiers: ClinVar variation 4734559 (VCV004734559.1).